The following is an entry in ClinVar:

ClinVar aggregate classification (germline): Uncertain significance (1 of 4 stars; one submission).

Conditions:
Early-onset Lafora body disease. Also called: Epilepsy, progressive myoclonic, 10. Identifiers: Orphanet 324290, MedGen C4225258, MONDO:0014717, OMIM 616640.

Allele frequency attached by ClinVar (database versions not stated): gnomAD exomes below 0.00001.
gnomAD v4.1: 1 of 1,613,826 alleles (0.000062%); highest among the groups gnomAD compares: Middle Eastern, 0.017%; no homozygotes.

Submission:

Labcorp Genetics (formerly Invitae), Labcorp
Classification: Uncertain significance for Early-onset Lafora body disease. Last evaluated: 2022-08-27. Review status: criteria provided, single submitter. Criteria: Invitae Variant Classification Sherloc (09022015). Collection method: clinical testing. Allele origin: germline.
Comment: This variant is not present in population databases (gnomAD no frequency). This variant has not been reported in the literature in individuals affected with PRDM8-related conditions. Algorithms developed to predict the effect of missense changes on protein structure and function are either unavailable or do not agree on the potential impact of this missense change (SIFT: "Deleterious"; PolyPhen-2: "Possibly Damaging"; Align-GVGD: "Class C0"). This sequence change replaces phenylalanine, which is neutral and non-polar, with leucine, which is neutral and non-polar, at codon 168 of the PRDM8 protein (p.Phe168Leu). In summary, the available evidence is currently insufficient to determine the role of this variant in disease. Therefore, it has been classified as a Variant of Uncertain Significance.

NM_001099403.2(PRDM8):c.502T>C (p.Phe168Leu)

Genes: PRDM8 (PR/SET domain 8; plus strand), LOC126807094 (CDK7 strongly-dependent group 2 enhancer GRCh37_chr4:81121978-81123177; plus strand). Cytogenetic location: 4q21.21.
Variant type: single nucleotide variant.
Coding change: c.502T>C on transcript NM_001099403.2 (MANE Select); coding-DNA position 502, T replaced by C.
Protein change: p.Phe168Leu; replaces phenylalanine 168 with leucine.
Molecular consequence: missense variant.
Genome position (GRCh38, 1-based): chr4:80,201,964, T>C. VCF-style: chr4-80201964-T-C. GRCh37 (hg19) VCF-style: chr4-81123118-T-C.
Other names: c.502T>C, p.Phe168Leu (NM_020226.4); short protein forms F168L.
Identifiers: ClinVar variation 2002239 (VCV002002239.4), dbSNP rs2475912140, ClinGen allele CA357394056.